The following is an entry in ClinVar:

NM_002691.4(POLD1):c.2341T>C (p.Trp781Arg)

Gene: POLD1 (DNA polymerase delta 1, catalytic subunit; plus strand). Cytogenetic location: 19q13.33.
Variant type: single nucleotide variant.
Coding change: c.2341T>C on transcript NM_002691.4 (MANE Select); coding-DNA position 2341, T replaced by C.
Protein change: p.Trp781Arg; replaces tryptophan 781 with arginine.
Molecular consequence: missense variant. On other transcripts: non-coding transcript variant (1).
Genome position (GRCh38, 1-based): chr19:50,413,832, T>C. VCF-style: chr19-50413832-T-C. GRCh37 (hg19) VCF-style: chr19-50917089-T-C.
Other names: c.2341T>C, p.Trp781Arg (NM_001256849.1, NM_001438212.1, NM_001438213.1); c.2419T>C, p.Trp807Arg (NM_001308632.1); c.2269T>C, p.Trp757Arg (NM_001438210.1, NM_001438211.1); short protein forms W781R, W757R, W807R.
Identifiers: ClinVar variation 4742269 (VCV004742269.1).

ClinVar aggregate classification (germline): Uncertain significance (1 of 4 stars; one submission).

Conditions:
POLD1-related polyposis and colorectal cancer syndrome (CRCS10). Also called: COLORECTAL CANCER, SUSCEPTIBILITY TO, ON CHROMOSOME 19q; Colorectal cancer 10; Colorectal cancer, susceptibility to, 10. Identifiers: Orphanet 220460, MedGen C2675481, MONDO:0012953, OMIM 612591.

Submission:

Labcorp Genetics (formerly Invitae), Labcorp
Classification: Uncertain significance for POLD1-related polyposis and colorectal cancer syndrome. Last evaluated: 2025-12-08. Review status: criteria provided, single submitter. Criteria: Invitae Variant Classification Sherloc (09022015). Collection method: clinical testing. Allele origin: germline.
Comment: This sequence change replaces tryptophan, which is neutral and slightly polar, with arginine, which is basic and polar, at codon 781 of the POLD1 protein (p.Trp781Arg). This variant is not present in population databases (gnomAD no frequency). This variant has not been reported in the literature in individuals affected with POLD1-related conditions. Invitae Evidence Modeling of protein sequence and biophysical properties (such as structural, functional, and spatial information, amino acid conservation, physicochemical variation, residue mobility, and thermodynamic stability) indicates that this missense variant is not expected to disrupt POLD1 protein function with a negative predictive value of 80%. In summary, the available evidence is currently insufficient to determine the role of this variant in disease. Therefore, it has been classified as a Variant of Uncertain Significance.